The following is an entry in ClinVar:

ClinVar aggregate classification (germline): Uncertain significance (1 of 4 stars; one submission).

Allele frequency attached by ClinVar (database versions not stated): gnomAD 0.00005; TOPMed 0.00005; gnomAD exomes 0.00008.
gnomAD v4.1: 75 of 1,001,464 alleles (0.0075%); highest among the groups gnomAD compares: Non-Finnish European, 0.01%; no homozygotes.

Submission:

Women's Health and Genetics/Laboratory Corporation of America, LabCorp
Classification: Uncertain significance. Last evaluated: 2016-11-25. Review status: criteria provided, single submitter. Criteria: LabCorp Variant Classification Summary - May 2015. Collection method: clinical testing. Allele origin: germline.
Comment: Variant summary: The c.2481+128A>G in GAA gene is a deep intronic change that involves a non-conserved nucleotide. 5/5 programs in Alamut predict that this variant does not affect normal splicing, however no functional studies supporting this notion were published at the time of evaluation. The frequency of this variant could not be obtained as there is no coverage of this position in ExAC, 1000Gs or ESP. The variant has not, to our knowledge, been reported in affected individuals via published reports or cited by a reputable database/clinical laboratory. Taking together, the variant was classified as VUS.

NM_000152.5(GAA):c.2481+128A>G

Gene: GAA (alpha glucosidase; plus strand). Cytogenetic location: 17q25.3.
Variant type: single nucleotide variant.
Coding change: c.2481+128A>G on transcript NM_000152.5 (MANE Select); 128 bases into the intron after coding-DNA position 2481, A replaced by G.
Molecular consequence: intron variant.
Genome position (GRCh38, 1-based): chr17:80,117,877, A>G. VCF-style: chr17-80117877-A-G. GRCh37 (hg19) VCF-style: chr17-78091676-A-G.
Other names: c.2481+128A>G (LRG_673t1, NM_001079803.3, NM_001079804.3).
Identifiers: ClinVar variation 495666 (VCV000495666.1), dbSNP rs760656694, ClinGen allele CA294857450.